The following is an entry in ClinVar:

NM_001130987.2(DYSF):c.2188C>G (p.Leu730Val)

Gene: DYSF (dysferlin; plus strand). Cytogenetic location: 2p13.2.
Variant type: single nucleotide variant.
Coding change: c.2188C>G on transcript NM_001130987.2 (MANE Select); coding-DNA position 2188, C replaced by G.
Protein change: p.Leu730Val; replaces leucine 730 with valine.
Molecular consequence: missense variant.
Genome position (GRCh38, 1-based): chr2:71,556,043, C>G. VCF-style: chr2-71556043-C-G. GRCh37 (hg19) VCF-style: chr2-71783173-C-G.
Other names: c.2137C>G, p.Leu713Val (NM_001130455.2, NM_001130983.2); c.2092C>G, p.Leu698Val (NM_001130976.2, NM_001130977.2); c.2134C>G, p.Leu712Val (NM_001130978.2, NM_003494.4); c.2227C>G, p.Leu743Val (NM_001130979.2); c.2185C>G, p.Leu729Val (NM_001130980.2, NM_001130981.2); c.2230C>G, p.Leu744Val (NM_001130982.2); c.2095C>G, p.Leu699Val (NM_001130984.2, NM_001130986.2); c.2188C>G, p.Leu730Val (NM_001130985.2); short protein forms L698V, L699V, L712V, L713V, L729V, L730V, L743V, L744V.
Identifiers: ClinVar variation 4067084 (VCV004067084.2).

ClinVar aggregate classification (germline): Uncertain significance. Review status: criteria provided, single submitter (1 of 4 stars). 2 submissions from 2 submitters: Uncertain significance (1). 1 of the submissions does not count toward it. Last evaluated 2026-03-25.

Conditions:
Autosomal recessive limb-girdle muscular dystrophy type 2B (LGMDR2). Also called: MUSCULAR DYSTROPHY, LIMB-GIRDLE, TYPE 3; Limb-girdle muscular dystrophy, type 2B; MUSCULAR DYSTROPHY, LIMB-GIRDLE, AUTOSOMAL RECESSIVE 2; Limb-Girdle Muscular Dystrophy Type 2B (LGMD2B). Identifiers: Orphanet 268, MedGen C1850889, MONDO:0009676, OMIM 253601.

gnomAD v4.1: 1 of 1,577,302 alleles (0.000063%); highest among the groups gnomAD compares: Non-Finnish European, 0.000086%; no homozygotes.

Submissions (2):

Women's Health and Genetics/Laboratory Corporation of America, LabCorp
Classification: Uncertain significance. Last evaluated: 2026-03-25. Review status: criteria provided, single submitter. Criteria: LabCorp Variant Classification Summary - May 2015. Collection method: clinical testing. Allele origin: germline.
Comment: Variant summary: DYSF c.2134C>G (p.Leu712Val) results in a conservative amino acid change in the encoded protein sequence. Algorithms developed to predict the effect of missense changes on protein structure and function all suggest that this variant is likely to be tolerated. The frequency data for this variant in gnomAD is considered unreliable, as metrics indicate poor data quality at this position. To our knowledge, no occurrence of c.2134C>G in individuals affected with DYSF-related conditions and no experimental evidence demonstrating its impact on protein function have been reported. ClinVar contains an entry for this variant (Variation ID: 4067084). Based on the evidence outlined above, the variant was classified as uncertain significance.

Natera, Inc.
Classification: Uncertain significance for Limb-girdle muscular dystrophy type 2B. Last evaluated: 2025-01-20. Review status: no assertion criteria provided. Collection method: clinical testing. Allele origin: germline. Not counted in ClinVar's aggregate classification.